The following is an entry in ClinVar:

ClinVar aggregate classification (germline): Uncertain significance (1 of 4 stars; one submission).

Conditions:
Spastic paraplegia. Identifiers: MedGen C0037772, HP:0001258.

Allele frequency attached by ClinVar (database versions not stated): TOPMed below 0.00001.
gnomAD v4.1: 1 of 1,614,152 alleles (0.000062%); no homozygotes.

Submission:

Labcorp Genetics (formerly Invitae), Labcorp
Classification: Uncertain significance for Spastic paraplegia. Last evaluated: 2022-08-01. Review status: criteria provided, single submitter. Criteria: Invitae Variant Classification Sherloc (09022015). Collection method: clinical testing. Allele origin: germline.
Comment: This sequence change affects codon 749 of the ZFYVE26 mRNA. It is a 'silent' change, meaning that it does not change the encoded amino acid sequence of the ZFYVE26 protein. It affects a nucleotide within the consensus splice site. This variant is not present in population databases (gnomAD no frequency). This variant has not been reported in the literature in individuals affected with ZFYVE26-related conditions. Algorithms developed to predict the effect of sequence changes on RNA splicing suggest that this variant is not likely to affect RNA splicing. In summary, the available evidence is currently insufficient to determine the role of this variant in disease. Therefore, it has been classified as a Variant of Uncertain Significance.

NM_015346.4(ZFYVE26):c.2247A>T (p.Ser749=)

Gene: ZFYVE26 (zinc finger FYVE-type containing 26; minus strand). Cytogenetic location: 14q24.1.
Variant type: single nucleotide variant.
Coding change: c.2247A>T on transcript NM_015346.4 (MANE Select); coding-DNA position 2247, A replaced by T.
Protein change: p.Ser749=; no amino-acid change (serine 749 retained).
Molecular consequence: synonymous variant.
Genome position (GRCh38, 1-based): chr14:67,798,015, T>A on the plus strand (A>T on the coding strand, the complement: ZFYVE26 is on the minus strand). VCF-style: chr14-67798015-T-A. GRCh37 (hg19) VCF-style: chr14-68264732-T-A.
Identifiers: ClinVar variation 2147250 (VCV002147250.1), dbSNP rs1566892721, ClinGen allele CA486970815.